The following is an entry in ClinVar:

NM_000503.6(EYA1):c.1026G>A (p.Gly342=)

Gene: EYA1 (EYA transcriptional coactivator and phosphatase 1; minus strand). Cytogenetic location: 8q13.3.
Variant type: single nucleotide variant.
Coding change: c.1026G>A on transcript NM_000503.6 (MANE Select); coding-DNA position 1026, G replaced by A.
Protein change: p.Gly342=; no amino-acid change (glycine 342 retained).
Molecular consequence: synonymous variant.
Genome position (GRCh38, 1-based): chr8:71,269,764, C>T on the plus strand (G>A on the coding strand, the complement: EYA1 is on the minus strand). VCF-style: chr8-71269764-C-T. GRCh37 (hg19) VCF-style: chr8-72181999-C-T.
Other names: c.1008G>A, p.Gly336= (NM_001288574.2); c.660G>A, p.Gly220= (NM_001288575.2); c.1113G>A, p.Gly371= (NM_001370333.1); c.1026G>A, p.Gly342= (NM_001370334.1, NM_001370335.1, NM_172058.4); c.1095G>A, p.Gly365= (NM_001370336.1); c.1098G>A, p.Gly366= (NM_172059.5).
Identifiers: ClinVar variation 682031 (VCV000682031.1), dbSNP rs1195003159, ClinGen allele CA461327358.

ClinVar aggregate classification (germline): Likely benign (1 of 4 stars; one submission).

Allele frequency attached by ClinVar (database versions not stated): gnomAD exomes below 0.00001; gnomAD 0.00001.
gnomAD v4.1: 2 of 1,613,542 alleles (0.00012%); highest among the groups gnomAD compares: Admixed American, 0.0033%; no homozygotes.

Submission:

GeneDx
Classification: Likely benign. Last evaluated: 2018-04-24. Review status: criteria provided, single submitter. Criteria: GeneDx Variant Classification (06012015). Collection method: clinical testing. Allele origin: germline. Affected: yes.
Comment: This variant is considered likely benign or benign based on one or more of the following criteria: it is a conservative change, it occurs at a poorly conserved position in the protein, it is predicted to be benign by multiple in silico algorithms, and/or has population frequency not consistent with disease.